The following is an entry in ClinVar:

NM_001267550.2(TTN):c.91366G>A (p.Gly30456Ser)

Genes: TTN (titin; minus strand), TTN-AS1 (TTN antisense RNA 1; plus strand). Cytogenetic location: 2q31.2.
Variant type: single nucleotide variant.
Coding change: c.91366G>A on transcript NM_001267550.2 (MANE Select); coding-DNA position 91366, G replaced by A.
Protein change: p.Gly30456Ser; replaces glycine 30456 with serine.
Molecular consequence: missense variant.
Genome position (GRCh38, 1-based): chr2:178,551,165, C>T on the plus strand (G>A on the coding strand, the complement: TTN is on the minus strand). VCF-style: chr2-178551165-C-T. GRCh37 (hg19) VCF-style: chr2-179415892-C-T.
Other names: p.G28815S:GGC>AGC; c.86443G>A, p.Gly28815Ser (NM_001256850.1); c.64171G>A, p.Gly21391Ser (NM_003319.4); c.83662G>A, p.Gly27888Ser (NM_133378.4); c.64546G>A, p.Gly21516Ser (NM_133432.3); c.64747G>A, p.Gly21583Ser (NM_133437.4); short protein forms G28815S, G30456S, G21391S, G21583S, G21516S, G27888S.
Identifiers: ClinVar variation 202979 (VCV000202979.4), dbSNP rs773655064, ClinGen allele CA310875.

ClinVar aggregate classification (germline): Uncertain significance. Review status: criteria provided, multiple submitters, no conflicts (2 of 4 stars). 2 submissions from 2 submitters: Uncertain significance (2). Last evaluated 2016-08-30.

Conditions:
Cardiomyopathy (CMYO). Also called: Cardiomyopathies. Identifiers: Orphanet 167848, MedGen C0878544, MONDO:0004994, HP:0001638. Inheritance: Various modes of inheritance.

Allele frequency attached by ClinVar (database versions not stated): gnomAD exomes below 0.00001; ExAC 0.00001; gnomAD 0.00001; TOPMed 0.00002.
gnomAD v4.1: 3 of 1,613,436 alleles (0.00019%); highest among the groups gnomAD compares: African/African-American, 0.004%; no homozygotes.

Submissions (2):

CHEO Genetics Diagnostic Laboratory, Children's Hospital of Eastern Ontario
Classification: Uncertain significance for Cardiomyopathy. Last evaluated: 2016-08-30. Review status: criteria provided, single submitter. Criteria: ACMG Guidelines, 2015. Collection method: clinical testing. Allele origin: germline. Study: Canadian Open Genetics Repository.

GeneDx
Classification: Uncertain significance. Last evaluated: 2014-02-20. Review status: criteria provided, single submitter. Criteria: GeneDx Variant Classification (06012015). Collection method: clinical testing. Allele origin: germline. Affected: yes.
Comment: Missense variants in the TTN gene are considered 'unclassified' if they are not previously reported in the literature and do not have >1% frequency in the population to be considered a polymorphism. Research indicates that truncating mutations in the TTN gene are expected to account for approximately 25% of familial and 18% of sporadic idiopathic DCM; however, truncating variants in the TTN gene have been reported in approximately 3% of reported control alleles. There has been little investigation into non-truncating variants. (Herman D et al. Truncations of titin causing dilated cardiomyopathy. N Eng J Med 366:619-628, 2012) The variant is found in DCM-CRDM panel(s).